The following is an entry in ClinVar:

ClinVar aggregate classification (germline): Likely benign (1 of 4 stars; one submission).

gnomAD v4.1: 278 of 1,613,848 alleles (0.017%); highest among the groups gnomAD compares: Non-Finnish European, 0.021%; no homozygotes.

Submission:

CeGaT Center for Human Genetics Tuebingen
Classification: Likely benign. Last evaluated: 2025-06-01. Review status: criteria provided, single submitter. Criteria: CeGaT Center For Human Genetics Tuebingen Variant Classification Criteria Version 2. Collection method: clinical testing. Allele origin: germline. Affected: yes. Observed: 1 variant allele.
Comment: TKT: BP4, BP7

NM_001064.4(TKT):c.1239C>T (p.Cys413=)

Gene: TKT (transketolase; minus strand). Cytogenetic location: 3p21.1.
Variant type: single nucleotide variant.
Coding change: c.1239C>T on transcript NM_001064.4 (MANE Select); coding-DNA position 1239, C replaced by T.
Protein change: p.Cys413=; no amino-acid change (cysteine 413 retained).
Molecular consequence: synonymous variant. On other transcripts: non-coding transcript variant (1).
Genome position (GRCh38, 1-based): chr3:53,229,305, G>A on the plus strand (C>T on the coding strand, the complement: TKT is on the minus strand). VCF-style: chr3-53229305-G-A. GRCh37 (hg19) VCF-style: chr3-53263321-G-A.
Other names: c.1239C>T, p.Cys413= (NM_001135055.3); c.1263C>T, p.Cys421= (NM_001258028.2).
Identifiers: ClinVar variation 4083902 (VCV004083902.8).
Genomic context (GRCh38, chr3:53,229,305, plus strand): 5'-GGAGCTCCAGGTGTAAACACCCTGGCTAAACTCACCGATGGAAACGCCGCAGTGGGAGCC[G>A]CAGAGGTTGATGTTGCTCTCGGAGATGGCGGCCATGCGAATCTGGTCAAAGGCCCGCGTG-3'
Protein context (NP_001055.1, residues 403-423): AAISESNINL[Cys413=]GSHCGVSIGE